The following is an entry in ClinVar:

NM_004145.4(MYO9B):c.4300G>A (p.Ala1434Thr)

Gene: MYO9B (myosin IXB; plus strand). Cytogenetic location: 19p13.11.
Variant type: single nucleotide variant.
Coding change: c.4300G>A on transcript NM_004145.4 (MANE Select); coding-DNA position 4300, G replaced by A.
Protein change: p.Ala1434Thr; replaces alanine 1434 with threonine.
Molecular consequence: missense variant.
Genome position (GRCh38, 1-based): chr19:17,200,354, G>A. VCF-style: chr19-17200354-G-A. GRCh37 (hg19) VCF-style: chr19-17311163-G-A.
Other names: c.4300G>A, p.Ala1434Thr (NM_001130065.2); short protein forms A1434T.
Identifiers: ClinVar variation 1050293 (VCV001050293.1), dbSNP rs754563547, ClinGen allele CA9288128.
Genomic context (GRCh38, chr19:17,200,354, plus strand): 5'-TCCACGTTTAAGAGGCTTTTTCTGCATAAAACCAAGGATAAAAAATACAGCCTGGAGGGC[G>A]CAGAGGAGCTGGAGAATGCAGTGTCCGGGCACGTGGTGCTGGAAGCCACCACCATGAAGA-3'
Protein context (NP_004136.2, residues 1424-1444): TKDKKYSLEG[Ala1434Thr]EELENAVSGH

ClinVar aggregate classification (germline): Uncertain significance (0 of 4 stars; one submission).

Allele frequency attached by ClinVar (database versions not stated): gnomAD exomes 0.00002; gnomAD 0.00003; TOPMed 0.00003; ExAC 0.00005.
gnomAD v4.1: 22 of 1,610,806 alleles (0.0014%); highest among the groups gnomAD compares: East Asian, 0.0045%; no homozygotes.

Submission:

Department of Pathology and Laboratory Medicine, Sinai Health System
Classification: Uncertain significance. Review status: no assertion criteria provided. Collection method: clinical testing. Allele origin: unknown. Affected: yes. Study: The Canadian Open Genetics Repository (COGR).
Comment: The MYO9B p.Ala1434Thr variant was not identified in the literature nor was it identified in ClinVar, Cosmic or LOVD 3.0. The variant was identified in dbSNP (ID: rs754563547) and in control databases in 7 of 273130 chromosomes at a frequency of 0.000026 (Genome Aggregation Database Feb 27, 2017). The variant was observed in the following populations: East Asian in 1 of 19016 chromosomes (freq: 0.000053), South Asian in 1 of 29856 chromosomes (freq: 0.000033), European (non-Finnish) in 4 of 124470 chromosomes (freq: 0.000032) and Latino in 1 of 34362 chromosomes (freq: 0.000029), while the variant was not observed in the African, Ashkenazi Jewish, European (Finnish) or Other populations. The p.Ala1434 residue is not conserved in mammals and computational analyses (PolyPhen-2, SIFT, AlignGVGD, BLOSUM, MutationTaster) do not suggest a high likelihood of impact to the protein; however, this information is not predictive enough to rule out pathogenicity. In summary, based on the above information the clinical significance of this variant cannot be determined with certainty at this time. This variant is classified as a variant of uncertain significance.